The following is an entry in ClinVar:

ClinVar aggregate classification (germline): Uncertain significance (1 of 4 stars; one submission).

Allele frequency attached by ClinVar (database versions not stated): gnomAD exomes below 0.00001; TOPMed 0.00002.
gnomAD v4.1: 2 of 1,613,662 alleles (0.00012%); highest among the groups gnomAD compares: Admixed American, 0.0017%; no homozygotes.

Submission:

Labcorp Genetics (formerly Invitae), Labcorp
Classification: Uncertain significance. Last evaluated: 2022-04-28. Review status: criteria provided, single submitter. Criteria: Invitae Variant Classification Sherloc (09022015). Collection method: clinical testing. Allele origin: germline.
Comment: In summary, the available evidence is currently insufficient to determine the role of this variant in disease. Therefore, it has been classified as a Variant of Uncertain Significance. Algorithms developed to predict the effect of missense changes on protein structure and function are either unavailable or do not agree on the potential impact of this missense change (SIFT: "Tolerated"; PolyPhen-2: "Not Available"; Align-GVGD: "Class C0"). This variant has not been reported in the literature in individuals affected with PCLO-related conditions. This variant is present in population databases (no rsID available, gnomAD 0.003%). This sequence change replaces glycine, which is neutral and non-polar, with alanine, which is neutral and non-polar, at codon 3389 of the PCLO protein (p.Gly3389Ala).

NM_033026.6(PCLO):c.10166G>C (p.Gly3389Ala)

Gene: PCLO (piccolo presynaptic cytomatrix protein; minus strand). Cytogenetic location: 7q21.11.
Variant type: single nucleotide variant.
Coding change: c.10166G>C on transcript NM_033026.6 (MANE Select); coding-DNA position 10166, G replaced by C.
Protein change: p.Gly3389Ala; replaces glycine 3389 with alanine.
Molecular consequence: missense variant.
Genome position (GRCh38, 1-based): chr7:82,950,422, C>G on the plus strand (G>C on the coding strand, the complement: PCLO is on the minus strand). VCF-style: chr7-82950422-C-G. GRCh37 (hg19) VCF-style: chr7-82579738-C-G.
Other names: c.10166G>C, p.Gly3389Ala (NM_014510.3); short protein forms G3389A.
Identifiers: ClinVar variation 2131252 (VCV002131252.4), dbSNP rs1013823336, ClinGen allele CA161141565.